The following is an entry in ClinVar:

NM_001159773.2(CANT1):c.178T>C (p.Cys60Arg)

Gene: CANT1 (calcium activated nucleotidase 1; minus strand). Cytogenetic location: 17q25.3.
Variant type: single nucleotide variant.
Coding change: c.178T>C on transcript NM_001159773.2 (MANE Select); coding-DNA position 178, T replaced by C.
Protein change: p.Cys60Arg; replaces cysteine 60 with arginine.
Molecular consequence: missense variant.
Genome position (GRCh38, 1-based): chr17:78,997,445, A>G on the plus strand (T>C on the coding strand, the complement: CANT1 is on the minus strand). VCF-style: chr17-78997445-A-G. GRCh37 (hg19) VCF-style: chr17-76993527-A-G.
Other names: c.178T>C, p.Cys60Arg (NM_001159772.2, NM_138793.4); short protein forms C60R.
Identifiers: ClinVar variation 1993148 (VCV001993148.4), dbSNP rs2509813056, ClinGen allele CA401309138.
Genomic context (GRCh38, chr17:78,997,445, plus strand): 5'-CGAGCCTCCAGTTGTGTGCATTGTGGGTGGGGGGCCTGCCGGGGGCCGGGCGGTGGGAGC[A>G]GAGCAGCCAGAGGATGGCAGCACCCACAAAGAACGTCAGGATCACCTTCCAGCGGGGGCG-3'
Protein context (NP_001153245.1, residues 50-70): FVGAAILWLL[Cys60Arg]SHRPAPGRPP

ClinVar aggregate classification (germline): Uncertain significance (1 of 4 stars; one submission).

Submission:

Labcorp Genetics (formerly Invitae), Labcorp
Classification: Uncertain significance. Last evaluated: 2025-11-03. Review status: criteria provided, single submitter. Criteria: Invitae Variant Classification Sherloc (09022015). Collection method: clinical testing. Allele origin: germline.
Comment: This sequence change replaces cysteine, which is neutral and slightly polar, with arginine, which is basic and polar, at codon 60 of the CANT1 protein (p.Cys60Arg). This variant is not present in population databases (gnomAD no frequency). This variant has not been reported in the literature in individuals affected with CANT1-related conditions. ClinVar contains an entry for this variant (Variation ID: 1993148). Invitae Evidence Modeling of protein sequence and biophysical properties (such as structural, functional, and spatial information, amino acid conservation, physicochemical variation, residue mobility, and thermodynamic stability) indicates that this missense variant is not expected to disrupt CANT1 protein function with a negative predictive value of 95%. In summary, the available evidence is currently insufficient to determine the role of this variant in disease. Therefore, it has been classified as a Variant of Uncertain Significance.